The following is an entry in ClinVar:

NM_001130823.3(DNMT1):c.2649G>C (p.Leu883=)

Gene: DNMT1 (DNA methyltransferase 1; minus strand). Cytogenetic location: 19p13.2.
Variant type: single nucleotide variant.
Coding change: c.2649G>C on transcript NM_001130823.3 (MANE Select); coding-DNA position 2649, G replaced by C.
Protein change: p.Leu883=; no amino-acid change (leucine 883 retained).
Molecular consequence: synonymous variant.
Genome position (GRCh38, 1-based): chr19:10,148,955, C>G on the plus strand (G>C on the coding strand, the complement: DNMT1 is on the minus strand). VCF-style: chr19-10148955-C-G. GRCh37 (hg19) VCF-style: chr19-10259631-C-G.
Other names: c.2601G>C, p.Leu867= (NM_001318730.2, NM_001379.4); c.2286G>C, p.Leu762= (NM_001318731.2); c.2649G>C (NM_001130823.2).
Identifiers: ClinVar variation 707318 (VCV000707318.14), dbSNP rs764724670, ClinGen allele CA9187981.

ClinVar aggregate classification (germline): Likely benign. Review status: criteria provided, multiple submitters, no conflicts (2 of 4 stars). 5 submissions from 5 submitters: Likely benign (5). Last evaluated 2026-04-01.

Conditions:
Hereditary sensory neuropathy-deafness-dementia syndrome. Also called: HSN IE; NEUROPATHY, HEREDITARY SENSORY, WITH HEARING LOSS AND DEMENTIA; Hereditary Sensory and Autonomic Neuropathy Type 1E (HSAN1E); Hereditary sensory neuropathy type IE. Identifiers: Orphanet 456318, MedGen C3279885, MONDO:0013584, OMIM 614116.
DNMT1-related disorder. Also called: DNMT1-related condition. Identifiers: MedGen CN381527.

Allele frequency attached by ClinVar (database versions not stated): ExAC 0.00002; gnomAD exomes 0.00002 and 0.00003; gnomAD 0.00011; TOPMed 0.00017.
gnomAD v4.1: 66 of 1,614,066 alleles (0.0041%); highest among the groups gnomAD compares: Admixed American, 0.033%; no homozygotes.

Submissions (5):

CeGaT Center for Human Genetics Tuebingen
Classification: Likely benign. Last evaluated: 2026-04-01. Review status: criteria provided, single submitter. Criteria: CeGaT Center For Human Genetics Tuebingen Variant Classification Criteria Version 2. Collection method: clinical testing. Allele origin: germline. Affected: yes. Observed: 1 variant allele.
Comment: DNMT1: BP4, BP7

PreventionGenetics, part of Exact Sciences
Classification: Likely benign for DNMT1-related condition. Last evaluated: 2026-03-16. Review status: criteria provided, single submitter. Criteria: ACMG Guidelines, 2015. Collection method: clinical testing. Allele origin: germline.
Comment: This variant is classified as likely benign based on ACMG/AMP sequence variant interpretation guidelines (Richards et al. 2015 PMID: 25741868, with internal and published modifications).

Labcorp Genetics (formerly Invitae), Labcorp
Classification: Likely benign for Hereditary sensory neuropathy-deafness-dementia syndrome. Last evaluated: 2025-12-27. Review status: criteria provided, single submitter. Criteria: Invitae Variant Classification Sherloc (09022015). Collection method: clinical testing. Allele origin: germline.

Women's Health and Genetics/Laboratory Corporation of America, LabCorp
Classification: Likely benign. Last evaluated: 2025-02-10. Review status: criteria provided, single submitter. Criteria: LabCorp Variant Classification Summary - May 2015. Collection method: clinical testing. Allele origin: germline.

Blueprint Genetics
Classification: Likely benign. Last evaluated: 2022-06-08. Review status: criteria provided, single submitter. Criteria: ACMG Guidelines, 2015. Collection method: clinical testing. Allele origin: germline.